The following is an entry in ClinVar:

ClinVar aggregate classification (germline): Uncertain significance (1 of 4 stars; one submission).

Submission:

GeneDx
Classification: Uncertain significance. Last evaluated: 2021-03-18. Review status: criteria provided, single submitter. Criteria: GeneDx Variant Classification Process June 2021. Collection method: clinical testing. Allele origin: germline. Affected: yes.
Comment: Not observed in large population cohorts (Lek et al., 2016); In silico analysis supports that this missense variant does not alter protein structure/function; Has not been previously published as pathogenic or benign to our knowledge

NM_003849.4(SUCLG1):c.973G>A (p.Val325Ile)

Gene: SUCLG1 (succinate-CoA ligase GDP/ADP-forming subunit alpha; minus strand). Cytogenetic location: 2p11.2.
Variant type: single nucleotide variant.
Coding change: c.973G>A on transcript NM_003849.4 (MANE Select); coding-DNA position 973, G replaced by A.
Protein change: p.Val325Ile; replaces valine 325 with isoleucine.
Molecular consequence: missense variant.
Genome position (GRCh38, 1-based): chr2:84,425,456, C>T on the plus strand (G>A on the coding strand, the complement: SUCLG1 is on the minus strand). VCF-style: chr2-84425456-C-T. GRCh37 (hg19) VCF-style: chr2-84652580-C-T.
Other names: short protein forms V325I.
Identifiers: ClinVar variation 1314172 (VCV001314172.2), dbSNP rs2104236584, ClinGen allele CA347514560.